The following is an entry in ClinVar:

ClinVar aggregate classification (germline): Conflicting classifications of pathogenicity. Review status: criteria provided, conflicting classifications (1 of 4 stars). 12 submissions from 10 submitters: Uncertain significance (2); Benign (6); Likely benign (2). 2 of the submissions do not count toward it. Last evaluated 2026-01-28.

Conditions:
Autosomal recessive nonsyndromic hearing loss 4 (DFNB4). Also called: FOXI1-Related Pendred Syndrome; KCNJ10-Related Pendred Syndrome; DEAFNESS, AUTOSOMAL RECESSIVE 4, WITH ENLARGED VESTIBULAR AQUEDUCT, DIGENIC; Deafness, autosomal recessive 4; Nonsyndromic enlarged vestibular aqueduct (NSEVA); NEUROSENSORY NONSYNDROMIC RECESSIVE DEAFNESS 4. Identifiers: Orphanet 90636, MedGen C3538946, MONDO:0010933, OMIM 600791.
Pendred syndrome (PDS). Also called: Pendred's syndrome; DEAFNESS WITH GOITER; GOITER-DEAFNESS SYNDROME; HYPOTHYROIDISM, CONGENITAL, DUE TO DYSHORMONOGENESIS, 2B; THYROID DYSHORMONOGENESIS 2B; THYROID HORMONOGENESIS, GENETIC DEFECT IN, 2B. Identifiers: Orphanet 705, MedGen C0271829, MONDO:0010134, OMIM 274600.

Allele frequency attached by ClinVar (database versions not stated): gnomAD 0.00669; gnomAD exomes 0.00145; ExAC 0.00350; ESP Exome Variant Server 0.00468; 1000 Genomes Project 30x 0.00593; 1000 Genomes Project 0.00599; TOPMed 0.00635.
gnomAD v4.1: 1,913 of 1,567,138 alleles (0.12%); highest among the groups gnomAD compares: African/African-American, 2.2%; 15 homozygotes.

Submissions (12):

Labcorp Genetics (formerly Invitae), Labcorp
Classification: Benign. Last evaluated: 2026-01-28. Review status: criteria provided, single submitter. Criteria: Invitae Variant Classification Sherloc (09022015). Collection method: clinical testing. Allele origin: germline.

CeGaT Center for Human Genetics Tuebingen
Classification: Benign. Last evaluated: 2024-08-01. Review status: criteria provided, single submitter. Criteria: CeGaT Center For Human Genetics Tuebingen Variant Classification Criteria Version 2. Collection method: clinical testing. Allele origin: germline. Affected: yes. Observed: 2 variant alleles.
Comment: SLC26A4: BP4, BP7, BS1, BS2; SLC26A4-AS1: BS1, BS2

Genome-Nilou Lab
Classification: Likely benign for Autosomal recessive nonsyndromic hearing loss 4. Last evaluated: 2021-09-05. Review status: criteria provided, single submitter. Criteria: ACMG Guidelines, 2015. Collection method: clinical testing. Allele origin: germline. Affected: no.

Genome-Nilou Lab
Classification: Likely benign for Pendred syndrome. Last evaluated: 2021-09-05. Review status: criteria provided, single submitter. Criteria: ACMG Guidelines, 2015. Collection method: clinical testing. Allele origin: germline. Affected: no.

GeneDx
Classification: Benign. Last evaluated: 2019-12-23. Review status: criteria provided, single submitter. Criteria: GeneDx Variant Classification Process June 2021. Collection method: clinical testing. Allele origin: germline. Affected: yes.
Comment: This variant is associated with the following publications: (PMID: 29739340, 23280318)

Athena Diagnostics
Classification: Benign. Last evaluated: 2019-02-22. Review status: criteria provided, single submitter. Criteria: Athena Diagnostics Criteria. Collection method: clinical testing. Allele origin: germline.

Eurofins Ntd Llc (ga)
Classification: Benign. Last evaluated: 2018-02-13. Review status: criteria provided, single submitter. Criteria: EGL ClinVar v180209 classification definitions. Collection method: clinical testing. Allele origin: germline. Observed: 1 variant allele, 1 heterozygote.

Illumina Laboratory Services, Illumina
Classification: Uncertain significance for Pendred syndrome. Last evaluated: 2017-04-27. Review status: criteria provided, single submitter. Criteria: ICSL Variant Classification Criteria 13 December 2019. Collection method: clinical testing. Allele origin: germline.
Comment: This variant was observed as part of a predisposition screen in an ostensibly healthy population. A literature search was performed for the gene, cDNA change, and amino acid change (where applicable). Publications were found based on this search. However, the evidence from the literature, in combination with allele frequency data from public databases where available, was not sufficient to rule this variant in or out of causing disease. Therefore, this variant is classified as a variant of unknown significance.

Illumina Laboratory Services, Illumina
Classification: Uncertain significance for Autosomal recessive nonsyndromic hearing loss 4. Last evaluated: 2017-04-27. Review status: criteria provided, single submitter. Criteria: ICSL Variant Classification Criteria 13 December 2019. Collection method: clinical testing. Allele origin: germline.

Laboratory for Molecular Medicine, Mass General Brigham Personalized Medicine
Classification: Benign. Last evaluated: 2012-08-24. Review status: criteria provided, single submitter. Criteria: LMM Criteria. Collection method: clinical testing. Allele origin: germline. Observed: 7 variant alleles.
Comment: Gly5Gly in exon 2 of SLC26A4: This variant is not expected to have clinical sign ificance because it does not alter an amino acid residue, is not located within the splice consensus sequence, has been identified in 1.4% (54/3922) of African American chromosomes from a broad population by the NHLBI Exome sequencing proje ct.

Natera, Inc.
Classification: Benign for Pendred syndrome. Last evaluated: 2019-10-18. Review status: no assertion criteria provided. Collection method: clinical testing. Allele origin: germline. Not counted in ClinVar's aggregate classification.

Counsyl
Classification: Likely benign for Pendred syndrome. Last evaluated: 2018-05-29. Review status: no assertion criteria provided. Collection method: clinical testing. Allele origin: unknown. Not counted in ClinVar's aggregate classification.

Literature cited by the submitters: PubMed 23280318 (cited by 3 submitters); PubMed 29739340 (cited by Athena Diagnostics); PubMed 30068397 (cited by Athena Diagnostics).

NM_000441.2(SLC26A4):c.15C>A (p.Gly5=)

Genes: SLC26A4 (solute carrier family 26 member 4; plus strand), SLC26A4-AS1 (SLC26A4 antisense RNA 1; minus strand). Cytogenetic location: 7q22.3.
Variant type: single nucleotide variant.
Coding change: c.15C>A on transcript NM_000441.2 (MANE Select); coding-DNA position 15, C replaced by A.
Protein change: p.Gly5=; no amino-acid change (glycine 5 retained).
Molecular consequence: synonymous variant. On other transcripts: non-coding transcript variant (1).
Genome position (GRCh38, 1-based): chr7:107,661,656, C>A. VCF-style: chr7-107661656-C-A. GRCh37 (hg19) VCF-style: chr7-107302101-C-A.
Identifiers: ClinVar variation 43515 (VCV000043515.47), dbSNP rs7811324, ClinGen allele CA132669.